The following is an entry in ClinVar:

ClinVar aggregate classification (germline): Uncertain significance. Review status: criteria provided, multiple submitters, no conflicts (2 of 4 stars). 5 submissions from 5 submitters: Uncertain significance (5). Last evaluated 2025-07-19.

Conditions:
Hereditary cancer-predisposing syndrome. Also called: Neoplastic Syndromes, Hereditary; Tumor predisposition; Hereditary Cancer Syndrome; Hereditary neoplastic syndrome. Identifiers: Orphanet 140162, MedGen C0027672, MeSH D009386, MONDO:0015356.
Familial adenomatous polyposis 1 (FAP1). Also called: FAMILIAL ADENOMATOUS POLYPOSIS 1, ATTENUATED; POLYPOSIS, ADENOMATOUS INTESTINAL. Identifiers: MedGen C2713442, MONDO:0021056, OMIM 175100. Disease mechanism: loss of function.

Allele frequency attached by ClinVar (database versions not stated): TOPMed below 0.00001; gnomAD 0.00001; gnomAD exomes 0.00001.
gnomAD v4.1: 8 of 1,613,204 alleles (0.0005%); highest among the groups gnomAD compares: African/African-American, 0.0027%; no homozygotes.

Submissions (5):

Labcorp Genetics (formerly Invitae), Labcorp
Classification: Uncertain significance for Familial adenomatous polyposis 1. Last evaluated: 2025-07-19. Review status: criteria provided, single submitter. Criteria: Invitae Variant Classification Sherloc (09022015). Collection method: clinical testing. Allele origin: germline.
Comment: This sequence change replaces glutamine, which is neutral and polar, with arginine, which is basic and polar, at codon 445 of the APC protein (p.Gln445Arg). This variant is not present in population databases (gnomAD no frequency). This variant has not been reported in the literature in individuals affected with APC-related conditions. ClinVar contains an entry for this variant (Variation ID: 231435). Invitae Evidence Modeling of protein sequence and biophysical properties (such as structural, functional, and spatial information, amino acid conservation, physicochemical variation, residue mobility, and thermodynamic stability) indicates that this missense variant is not expected to disrupt APC protein function with a negative predictive value of 95%. In summary, the available evidence is currently insufficient to determine the role of this variant in disease. Therefore, it has been classified as a Variant of Uncertain Significance.

Ambry Genetics
Classification: Uncertain significance for Hereditary cancer-predisposing syndrome. Last evaluated: 2025-03-18. Review status: criteria provided, single submitter. Criteria: Ambry Variant Classification Scheme 2023. Collection method: clinical testing. Allele origin: germline.
Comment: The p.Q445R variant (also known as c.1334A>G), located in coding exon 10 of the APC gene, results from an A to G substitution at nucleotide position 1334. The glutamine at codon 445 is replaced by arginine, an amino acid with highly similar properties. This amino acid position is highly conserved in available vertebrate species. In addition, in silico predictors for this gene do not accurately predict pathogenicity. Missense alterations in APC are not a common cause of disease (Spier I et al. Genet Med. 2024 Feb;26(2):100992). Based on the available evidence, the clinical significance of this variant remains unclear.

GeneDx
Classification: Uncertain significance. Last evaluated: 2022-06-20. Review status: criteria provided, single submitter. Criteria: GeneDx Variant Classification Process June 2021. Collection method: clinical testing. Allele origin: germline. Affected: yes.
Comment: Not observed in large population cohorts (gnomAD); In silico analysis supports that this missense variant has a deleterious effect on protein structure/function; Has not been previously published as pathogenic or benign to our knowledge

Baylor Genetics
Classification: Uncertain significance for Familial adenomatous polyposis 1. Last evaluated: 2022-01-11. Review status: criteria provided, single submitter. Criteria: ACMG Guidelines, 2015. Collection method: clinical testing. Allele origin: maternal. Affected: yes. Study: CSER-TexasKidsCanSeq.
Comment: This variant was determined to be of uncertain significance according to ACMG Guidelines, 2015 [PMID:25741868].

Sema4
Classification: Uncertain significance for Hereditary cancer-predisposing syndrome. Last evaluated: 2021-11-10. Review status: criteria provided, single submitter. Criteria: Sema4 Curation Guidelines. Collection method: curation. Allele origin: germline.
Comment: The APC c.1334A>G (p.Q445R) variant has not been reported in the literature to our knowledge. It was not observed in the large and broad cohorts of the Genome Aggregation Database (PMID: 32461654). This variant has been reported in ClinVar (Variation ID 231435). Functional studies have not been performed, and in silico predictions of the variant's effect on protein function are inconclusive. The evidence is insufficient to meet ACMG/AMP criteria for classifying the variant as benign or pathogenic. Thus, the clinical significance of this variant is currently uncertain.

NM_000038.6(APC):c.1334A>G (p.Gln445Arg)

Gene: APC (APC regulator of Wnt signaling pathway; plus strand). Cytogenetic location: 5q22.2.
Variant type: single nucleotide variant.
Coding change: c.1334A>G on transcript NM_000038.6 (MANE Select); coding-DNA position 1334, A replaced by G.
Protein change: p.Gln445Arg; replaces glutamine 445 with arginine.
Molecular consequence: missense variant.
Genome position (GRCh38, 1-based): chr5:112,821,917, A>G. VCF-style: chr5-112821917-A-G. GRCh37 (hg19) VCF-style: chr5-112157614-A-G.
Other names: c.1334A>G, p.Gln445Arg (NM_001127510.3, NM_001354895.2, NM_001354896.2); c.1280A>G, p.Gln427Arg (NM_001127511.3); c.1364A>G, p.Gln455Arg (NM_001354897.2); c.1259A>G, p.Gln420Arg (NM_001354898.2); c.1250A>G, p.Gln417Arg (NM_001354899.2); c.1157A>G, p.Gln386Arg (NM_001354900.2, NM_001354901.2); c.1061A>G, p.Gln354Arg (NM_001354902.2); c.1031A>G, p.Gln344Arg (NM_001354903.2); and 3 more; short protein forms Q427R, Q445R, Q354R, Q420R, Q285R, Q319R, Q162R, Q386R.
Identifiers: ClinVar variation 231435 (VCV000231435.20), dbSNP rs876659157, ClinGen allele CA10578314.
Genomic context (GRCh38, chr5:112,821,917, plus strand): 5'-TAACAAAGCATTATGGTTTATGTTGATTTTATTTTTCAGTGCCAGCTCCTGTTGAACATC[A>G]GATCTGTCCTGCTGTGTGTGTTCTAATGAAACTTTCATTTGATGAAGAGCATAGACATGC-3'
Protein context (NP_000029.2, residues 435-455): KNPMPAPVEH[Gln445Arg]ICPAVCVLMK